The following is an entry in ClinVar:

ClinVar aggregate classification (germline): Conflicting classifications of pathogenicity. Review status: criteria provided, conflicting classifications (1 of 4 stars). 12 submissions from 12 submitters: Uncertain significance (1); Likely benign (6). 5 of the submissions do not count toward it. Last evaluated 2026-05-01.

Conditions:
MYH6-related disorder. Also called: MYH6-related condition; MYH6-Related Disorders.
Cardiovascular phenotype. Identifiers: MedGen CN230736.
Hypertrophic cardiomyopathy 14. Identifiers: MedGen C2750467, MONDO:0013197, OMIM 613251.

Allele frequency attached by ClinVar (database versions not stated): gnomAD 0.00011; ESP Exome Variant Server 0.00015; 1000 Genomes Project 30x 0.00016; ExAC 0.00019; 1000 Genomes Project 0.00020; gnomAD exomes 0.00020 and 0.00021; TOPMed 0.00021.
gnomAD v4.1: 314 of 1,614,234 alleles (0.019%); highest among the groups gnomAD compares: East Asian, 0.047%; no homozygotes.

Submissions (12):

CeGaT Center for Human Genetics Tuebingen
Classification: Likely benign. Last evaluated: 2026-05-01. Review status: criteria provided, single submitter. Criteria: CeGaT Center For Human Genetics Tuebingen Variant Classification Criteria Version 2. Collection method: clinical testing. Allele origin: germline. Affected: yes. Observed: 1 variant allele.
Comment: MYH6: BP4, BP7

Labcorp Genetics (formerly Invitae), Labcorp
Classification: Likely benign for Hypertrophic cardiomyopathy 14. Last evaluated: 2026-01-11. Review status: criteria provided, single submitter. Criteria: Invitae Variant Classification Sherloc (09022015). Collection method: clinical testing. Allele origin: germline.

Blueprint Genetics
Classification: Likely benign. Last evaluated: 2024-09-18. Review status: criteria provided, single submitter. Criteria: ACMG Guidelines, 2015. Collection method: clinical testing. Allele origin: germline.

GeneDx
Classification: Likely benign. Last evaluated: 2020-09-21. Review status: criteria provided, single submitter. Criteria: GeneDx Variant Classification Process June 2021. Collection method: clinical testing. Allele origin: germline. Affected: yes.

Ambry Genetics
Classification: Likely benign for Cardiovascular phenotype. Last evaluated: 2019-03-28. Review status: criteria provided, single submitter. Criteria: Ambry Variant Classification Scheme 2023. Collection method: clinical testing. Allele origin: germline.

Stanford Center for Inherited Cardiovascular Disease, Stanford University
Classification: Uncertain significance. Last evaluated: 2015-12-16. Review status: criteria provided, single submitter. Criteria: ACMG Guidelines, 2015. Collection method: provider interpretation. Allele origin: germline.

Laboratory for Molecular Medicine, Mass General Brigham Personalized Medicine
Classification: Likely benign. Last evaluated: 2014-04-04. Review status: criteria provided, single submitter. Criteria: LMM Criteria. Collection method: clinical testing. Allele origin: germline. Observed: 1 variant allele.
Comment: Asp470Asp in exon 13 of MYH6: This variant is not expected to have clinical sign ificance because it does not alter an amino acid residue. Although this variant is located in the 5' splice region, the nucleotide is not conserved and computa tional tools do not suggest an impact to splicing. Additionally, it has been id entified in 2/8600 European American chromosomes by the NHLBI Exome Sequencing P roject (dbSNP rs139886074).

PreventionGenetics, part of Exact Sciences
Classification: Likely benign for MYH6-related condition. Last evaluated: 2020-11-10. Review status: no assertion criteria provided. Collection method: clinical testing. Allele origin: germline. Not counted in ClinVar's aggregate classification.
Comment: This variant is classified as likely benign based on ACMG/AMP sequence variant interpretation guidelines (Richards et al. 2015 PMID: 25741868, with internal and published modifications).

Clinical Genetics, Academic Medical Center
Classification: Benign. Review status: no assertion criteria provided. Collection method: clinical testing. Allele origin: germline. Affected: yes. Study: VKGL Data-share Consensus. Not counted in ClinVar's aggregate classification.

Diagnostic Laboratory, Department of Genetics, University Medical Center Groningen
Classification: Likely benign. Review status: no assertion criteria provided. Collection method: clinical testing. Allele origin: germline. Affected: yes. Study: VKGL Data-share Consensus. Not counted in ClinVar's aggregate classification.

Genome Diagnostics Laboratory, University Medical Center Utrecht
Classification: Likely benign. Review status: no assertion criteria provided. Collection method: clinical testing. Allele origin: germline. Affected: yes. Study: VKGL Data-share Consensus. Not counted in ClinVar's aggregate classification.

Joint Genome Diagnostic Labs from Nijmegen and Maastricht, Radboudumc and MUMC+
Classification: Likely benign. Review status: no assertion criteria provided. Collection method: clinical testing. Allele origin: germline. Affected: yes. Study: VKGL Data-share Consensus. Not counted in ClinVar's aggregate classification.

NM_002471.4(MYH6):c.1410C>T (p.Asp470=)

Gene: MYH6 (myosin heavy chain 6; minus strand). Cytogenetic location: 14q11.2.
Variant type: single nucleotide variant.
Coding change: c.1410C>T on transcript NM_002471.4 (MANE Select); coding-DNA position 1410, C replaced by T.
Protein change: p.Asp470=; no amino-acid change (aspartic acid 470 retained).
Molecular consequence: synonymous variant.
Genome position (GRCh38, 1-based): chr14:23,400,709, G>A on the plus strand (C>T on the coding strand, the complement: MYH6 is on the minus strand). VCF-style: chr14-23400709-G-A. GRCh37 (hg19) VCF-style: chr14-23869918-G-A.
Identifiers: ClinVar variation 178073 (VCV000178073.33), dbSNP rs139886074, ClinGen allele CA181336.